The following is an entry in ClinVar:

NM_201384.3(PLEC):c.10898G>A (p.Arg3633His)

Gene: PLEC (plectin; minus strand). Cytogenetic location: 8q24.3.
Variant type: single nucleotide variant.
Coding change: c.10898G>A on transcript NM_201384.3 (MANE Select); coding-DNA position 10898, G replaced by A.
Protein change: p.Arg3633His; replaces arginine 3633 with histidine.
Molecular consequence: missense variant.
Genome position (GRCh38, 1-based): chr8:143,918,923, C>T on the plus strand (G>A on the coding strand, the complement: PLEC is on the minus strand). VCF-style: chr8-143918923-C-T. GRCh37 (hg19) VCF-style: chr8-144993091-C-T.
Other names: c.10979G>A, p.Arg3660His (NM_000445.5); c.10856G>A, p.Arg3619His (NM_201378.4); c.10832G>A, p.Arg3611His (NM_201379.3); c.11309G>A, p.Arg3770His (NM_201380.4); c.10802G>A, p.Arg3601His (NM_201381.3); c.10898G>A, p.Arg3633His (NM_201382.4); c.10910G>A, p.Arg3637His (NM_201383.3); c.10979G>A (NM_000445.3, NM_000445.4); short protein forms R3601H, R3637H, R3619H, R3633H, R3660H, R3611H, R3770H.
Identifiers: ClinVar variation 1384866 (VCV001384866.10), dbSNP rs782135707, ClinGen allele CA4924505.

ClinVar aggregate classification (germline): Uncertain significance. Review status: criteria provided, multiple submitters, no conflicts (2 of 4 stars). 3 submissions from 3 submitters: Uncertain significance (3). Last evaluated 2026-06-27.

Conditions:
Inborn genetic diseases. Identifiers: MedGen C0950123, MeSH D030342.
PLEC-related disorder. Also called: PLEC-related condition; PLEC-related disorders.
Autosomal recessive limb-girdle muscular dystrophy type 2Q (LGMDR17). Also called: MUSCULAR DYSTROPHY, LIMB-GIRDLE, AUTOSOMAL RECESSIVE 17. Identifiers: Orphanet 254361, MedGen C3150989, MONDO:0013390, OMIM 613723.
Epidermolysis bullosa simplex with nail dystrophy (EBS5D). Identifiers: MedGen C4225309, MONDO:0014661, OMIM 616487.
Epidermolysis bullosa simplex 5B, with muscular dystrophy (EBS5B). Also called: EPIDERMOLYSIS BULLOSA SIMPLEX AND LIMB-GIRDLE MUSCULAR DYSTROPHY; Epidermolysis bullosa simplex with muscular dystrophy. Identifiers: Orphanet 257, MedGen C2931072, MONDO:0009181, OMIM 226670.
Epidermolysis bullosa simplex, Ogna type (EBS5A). Also called: Pidermolysis bullosa simplex 5A, Ogna type; EPIDERMOLYSIS BULLOSA SIMPLEX 5A, OGNA TYPE. Identifiers: Orphanet 79401, MedGen C0432317, MONDO:0007555, OMIM 131950.
Epidermolysis bullosa simplex 5C, with pyloric atresia (EBS5C). Also called: PLEC1-Related Epidermolysis Bullosa with Pyloric Atresia; PLEC-Related Epidermolysis Bullosa with Pyloric Atresia; Epidermolysis bullosa simplex with pyloric atresia. Identifiers: Orphanet 158684, MedGen C2677349, MONDO:0012807, OMIM 612138.

Allele frequency attached by ClinVar (database versions not stated): gnomAD exomes 0.00001; TOPMed 0.00001; ExAC 0.00003.
gnomAD v4.1: 11 of 1,610,864 alleles (0.00068%); highest among the groups gnomAD compares: South Asian, 0.0011%; no homozygotes.

Submissions (3):

PreventionGenetics, part of Exact Sciences
Classification: Uncertain significance for PLEC-related condition. Last evaluated: 2026-06-27. Review status: criteria provided, single submitter. Criteria: ACMG Guidelines, 2015. Collection method: clinical testing. Allele origin: germline.
Comment: The PLEC c.10979G>A variant is predicted to result in the amino acid substitution p.Arg3660His. To our knowledge, this variant has not been reported in the literature. This variant is reported in 0.0052% of alleles in individuals of European (Finnish) descent in gnomAD. At this time, the clinical significance of this variant is uncertain due to the absence of conclusive functional and genetic evidence.

Ambry Genetics
Classification: Uncertain significance for Inborn genetic diseases. Last evaluated: 2024-11-24. Review status: criteria provided, single submitter. Criteria: Ambry Variant Classification Scheme 2023. Collection method: clinical testing. Allele origin: germline.

Labcorp Genetics (formerly Invitae), Labcorp
Classification: Uncertain significance for Autosomal recessive limb-girdle muscular dystrophy type 2Q; Epidermolysis bullosa simplex, Ogna type; Epidermolysis bullosa simplex with nail dystrophy; Epidermolysis bullosa simplex 5C, with pyloric atresia; Epidermolysis bullosa simplex 5B, with muscular dystrophy. Last evaluated: 2024-09-30. Review status: criteria provided, single submitter. Criteria: Invitae Variant Classification Sherloc (09022015). Collection method: clinical testing. Allele origin: germline.
Comment: This sequence change replaces arginine, which is basic and polar, with histidine, which is basic and polar, at codon 3660 of the PLEC protein (p.Arg3660His). This variant is present in population databases (rs782135707, gnomAD 0.005%). This variant has not been reported in the literature in individuals affected with PLEC-related conditions. ClinVar contains an entry for this variant (Variation ID: 1384866). An algorithm developed to predict the effect of missense changes on protein structure and function (PolyPhen-2) suggests that this variant is likely to be disruptive. In summary, the available evidence is currently insufficient to determine the role of this variant in disease. Therefore, it has been classified as a Variant of Uncertain Significance.